The following is an entry in ClinVar:

NM_002294.3(LAMP2):c.928+6C>T

Gene: LAMP2 (lysosome associated membrane protein 2; minus strand). Cytogenetic location: Xq24.
Variant type: single nucleotide variant.
Coding change: c.928+6C>T on transcript NM_002294.3 (MANE Select); 6 bases into the intron after coding-DNA position 928, C replaced by T.
Molecular consequence: intron variant.
Genome position (GRCh38, 1-based): chrX:120,442,593, G>A on the plus strand (C>T on the coding strand, the complement: LAMP2 is on the minus strand). VCF-style: chrX-120442593-G-A. GRCh37 (hg19) VCF-style: chrX-119576448-G-A.
Other names: c.928+6C>T (NM_001122606.1, NM_013995.2).
Identifiers: ClinVar variation 836501 (VCV000836501.8), dbSNP rs769837038, ClinGen allele CA10505230.
Genomic context (GRCh38, chrX:120,442,593, plus strand): 5'-CCATTGTAATTTCTAATCCTTCAGGGTAATCCACAGTCTTTTTCCCCAGGCCAGTGCTTT[G>A]CTTACCGGAGCCATTAACCAAATACATGCTGATGTTCACTTCCTTCAGATAAAATCGGTT-3'

ClinVar aggregate classification (germline): Uncertain significance. Review status: criteria provided, multiple submitters, no conflicts (2 of 4 stars). 2 submissions from 2 submitters: Uncertain significance (2). Last evaluated 2026-01-16.

Conditions:
Danon disease. Also called: Glycogen Storage Disease Type IIb; ANTOPOL DISEASE; PSEUDOGLYCOGENOSIS II; GSD IIb; LYSOSOMAL GLYCOGEN STORAGE DISEASE WITHOUT ACID MALTASE DEFICIENCY. Identifiers: Orphanet 34587, MedGen C0878677, MONDO:0010281, OMIM 300257.

Allele frequency attached by ClinVar (database versions not stated): ExAC 0.00001; gnomAD exomes 0.00001 and 0.00005; gnomAD 0.00004; TOPMed 0.00006.
gnomAD v4.1: 17 of 1,196,456 alleles (0.0014%); highest among the groups gnomAD compares: Admixed American, 0.037%; no homozygotes.

Submissions (2):

Labcorp Genetics (formerly Invitae), Labcorp
Classification: Uncertain significance for Danon disease. Last evaluated: 2026-01-16. Review status: criteria provided, single submitter. Criteria: Invitae Variant Classification Sherloc (09022015). Collection method: clinical testing. Allele origin: germline.
Comment: This sequence change falls in intron 7 of the LAMP2 gene. It does not directly change the encoded amino acid sequence of the LAMP2 protein. It affects a nucleotide within the consensus splice site. This variant is present in population databases (rs769837038, gnomAD 0.03%), including at least one homozygous and/or hemizygous individual. This variant has not been reported in the literature in individuals affected with LAMP2-related conditions. ClinVar contains an entry for this variant (Variation ID: 836501). Variants that disrupt the consensus splice site are a relatively common cause of aberrant splicing (PMID: 17576681, 9536098). Algorithms developed to predict the effect of sequence changes on RNA splicing suggest that this variant is not likely to affect RNA splicing. In summary, the available evidence is currently insufficient to determine the role of this variant in disease. Therefore, it has been classified as a Variant of Uncertain Significance.

Women's Health and Genetics/Laboratory Corporation of America, LabCorp
Classification: Uncertain significance. Last evaluated: 2022-08-27. Review status: criteria provided, single submitter. Criteria: LabCorp Variant Classification Summary - May 2015. Collection method: clinical testing. Allele origin: germline.

Literature cited by the submitters: PubMed 17576681 (cited by Labcorp Genetics (formerly Invitae), Labcorp); PubMed 9536098 (cited by Labcorp Genetics (formerly Invitae), Labcorp).